The following is an entry in ClinVar:

NM_000260.4(MYO7A):c.3922A>T (p.Lys1308Ter)

Gene: MYO7A (myosin VIIA; plus strand). Cytogenetic location: 11q13.5.
Variant type: single nucleotide variant.
Coding change: c.3922A>T on transcript NM_000260.4 (MANE Select); coding-DNA position 3922, A replaced by T.
Protein change: p.Lys1308Ter; replaces lysine 1308 with a stop codon.
Molecular consequence: nonsense.
Genome position (GRCh38, 1-based): chr11:77,190,868, A>T. VCF-style: chr11-77190868-A-T. GRCh37 (hg19) VCF-style: chr11-76901913-A-T.
Other names: c.3922A>T, p.Lys1308Ter (NM_001127180.2); c.3889A>T, p.Lys1297Ter (NM_001369365.1); short protein forms K1297*, K1308*.
Identifiers: ClinVar variation 5013344 (VCV005013344.1).

ClinVar aggregate classification (germline): Pathogenic (1 of 4 stars; one submission).

Conditions:
Usher syndrome type 1 (USH1). Also called: RETINITIS PIGMENTOSA AND CONGENITAL DEAFNESS. Identifiers: Orphanet 231169, Orphanet 886, MedGen C1568247, MONDO:0010168, OMIM 276900.

Submission:

Myriad Genetics, Inc.
Classification: Pathogenic for Usher syndrome type 1. Last evaluated: 2024-07-22. Review status: criteria provided, single submitter. Criteria: Myriad Autosomal Dominant, Autosomal Recessive and X-Linked Classification Criteria (2023). Collection method: clinical testing. Allele origin: unknown.
Comment: NM_000260.3(MYO7A):c.3922A>T(K1308*) is expected to be pathogenic in the context of MYO7A-related disorders. This variant is predicted to lead to an abnormal or absent protein product due to the creation of a premature termination codon in MYO7A, a gene where loss-of-function variants are known to be pathogenic. Please note: this variant was assessed in the context of healthy population screening.